The following is an entry in ClinVar:

NM_031407.7(HUWE1):c.411C>G (p.Leu137=)

Gene: HUWE1 (HECT, UBA and WWE domain containing E3 ubiquitin protein ligase 1; minus strand). Cytogenetic location: Xp11.22.
Variant type: single nucleotide variant.
Coding change: c.411C>G on transcript NM_031407.7 (MANE Select); coding-DNA position 411, C replaced by G.
Protein change: p.Leu137=; no amino-acid change (leucine 137 retained).
Molecular consequence: synonymous variant.
Genome position (GRCh38, 1-based): chrX:53,645,404, G>C on the plus strand (C>G on the coding strand, the complement: HUWE1 is on the minus strand). VCF-style: chrX-53645404-G-C. GRCh37 (hg19) VCF-style: chrX-53672356-G-C.
Identifiers: ClinVar variation 588451 (VCV000588451.23), dbSNP rs138967897, ClinGen allele CA10423113.

ClinVar aggregate classification (germline): Benign/Likely benign. Review status: criteria provided, multiple submitters, no conflicts (2 of 4 stars). 6 submissions from 6 submitters: Benign (2); Likely benign (3). 1 of the submissions does not count toward it. Last evaluated 2026-02-02.

Conditions:
Inborn genetic diseases. Identifiers: MedGen C0950123, MeSH D030342.
HUWE1-related disorder. Also called: HUWE1-related condition.

Allele frequency attached by ClinVar (database versions not stated): ESP Exome Variant Server 0.00009; gnomAD 0.00015 and 0.00017; gnomAD exomes 0.00022 and 0.00112; 1000 Genomes Project 30x 0.00042; TOPMed 0.00048; 1000 Genomes Project 0.00053; ExAC 0.00103.
gnomAD v4.1: 257 of 1,206,819 alleles (0.021%); highest among the groups gnomAD compares: Admixed American, 0.55%; no homozygotes.

Submissions (6):

Labcorp Genetics (formerly Invitae), Labcorp
Classification: Benign. Last evaluated: 2026-02-02. Review status: criteria provided, single submitter. Criteria: Invitae Variant Classification Sherloc (09022015). Collection method: clinical testing. Allele origin: germline.

CeGaT Center for Human Genetics Tuebingen
Classification: Likely benign. Last evaluated: 2026-02-01. Review status: criteria provided, single submitter. Criteria: CeGaT Center For Human Genetics Tuebingen Variant Classification Criteria Version 2. Collection method: clinical testing. Allele origin: germline. Affected: yes. Observed: 2 variant alleles.
Comment: HUWE1: BP4, BP7, BS2

GeneDx
Classification: Benign. Last evaluated: 2020-05-11. Review status: criteria provided, single submitter. Criteria: GeneDx Variant Classification Process June 2021. Collection method: clinical testing. Allele origin: germline. Affected: yes.

Ambry Genetics
Classification: Likely benign for Inborn genetic diseases. Last evaluated: 2014-09-18. Review status: criteria provided, single submitter. Criteria: Ambry Variant Classification Scheme 2023. Collection method: clinical testing. Allele origin: germline.

Breakthrough Genomics
Classification: Likely benign. Review status: criteria provided, single submitter. Criteria: ACMG Guidelines, 2015. Collection method: not provided. Allele origin: germline. Inheritance: X-linked inheritance. Affected: yes.

PreventionGenetics, part of Exact Sciences
Classification: Benign for HUWE1-related condition. Last evaluated: 2019-10-16. Review status: no assertion criteria provided. Collection method: clinical testing. Allele origin: germline. Not counted in ClinVar's aggregate classification.
Comment: This variant is classified as benign based on ACMG/AMP sequence variant interpretation guidelines (Richards et al. 2015 PMID: 25741868, with internal and published modifications).